The following is an entry in ClinVar:

NM_000455.5(STK11):c.123G>T (p.Lys41Asn)

Gene: STK11 (serine/threonine kinase 11; plus strand). Cytogenetic location: 19p13.3.
Variant type: single nucleotide variant.
Coding change: c.123G>T on transcript NM_000455.5 (MANE Select); coding-DNA position 123, G replaced by T.
Protein change: p.Lys41Asn; replaces lysine 41 with asparagine.
Molecular consequence: missense variant.
Genome position (GRCh38, 1-based): chr19:1,207,036, G>T. VCF-style: chr19-1207036-G-T. GRCh37 (hg19) VCF-style: chr19-1207035-G-T.
Other names: short protein forms K41N.
Identifiers: ClinVar variation 649901 (VCV000649901.12), dbSNP rs761762690, ClinGen allele CA402943964.

ClinVar aggregate classification (germline): Uncertain significance. Review status: criteria provided, multiple submitters, no conflicts (2 of 4 stars). 3 submissions from 3 submitters: Uncertain significance (3). Last evaluated 2025-11-10.

Conditions:
Hereditary cancer-predisposing syndrome. Also called: Hereditary Cancer Syndrome; Tumor predisposition; Neoplastic Syndromes, Hereditary; Hereditary neoplastic syndrome. Identifiers: Orphanet 140162, MedGen C0027672, MeSH D009386, MONDO:0015356.
Peutz-Jeghers syndrome (PJS). Also called: POLYPOSIS, HAMARTOMATOUS INTESTINAL; POLYPS-AND-SPOTS SYNDROME; Peutz-Jeghers polyposis; Periorificial lentiginosis syndrome. Identifiers: Orphanet 2869, MedGen C0031269, MeSH D010580, MONDO:0008280, OMIM 175200.

Submissions (3):

Labcorp Genetics (formerly Invitae), Labcorp
Classification: Uncertain significance for Peutz-Jeghers syndrome. Last evaluated: 2025-11-10. Review status: criteria provided, single submitter. Criteria: Invitae Variant Classification Sherloc (09022015). Collection method: clinical testing. Allele origin: germline.
Comment: This sequence change replaces lysine, which is basic and polar, with asparagine, which is neutral and polar, at codon 41 of the STK11 protein (p.Lys41Asn). This variant is not present in population databases (gnomAD no frequency). This variant has not been reported in the literature in individuals affected with STK11-related conditions. ClinVar contains an entry for this variant (Variation ID: 649901). Invitae Evidence Modeling of protein sequence and biophysical properties (such as structural, functional, and spatial information, amino acid conservation, physicochemical variation, residue mobility, and thermodynamic stability) has been performed for this missense variant. However, the output from this modeling did not meet the statistical confidence thresholds required to predict the impact of this variant on STK11 protein function. In summary, the available evidence is currently insufficient to determine the role of this variant in disease. Therefore, it has been classified as a Variant of Uncertain Significance.

Ambry Genetics
Classification: Uncertain significance for Hereditary cancer-predisposing syndrome. Last evaluated: 2025-06-06. Review status: criteria provided, single submitter. Criteria: Ambry Variant Classification Scheme 2023. Collection method: clinical testing. Allele origin: germline.
Comment: The p.K41N variant (also known as c.123G>T), located in coding exon 1 of the STK11 gene, results from a G to T substitution at nucleotide position 123. The lysine at codon 41 is replaced by asparagine, an amino acid with similar properties. This amino acid position is highly conserved in available vertebrate species. In addition, this alteration is predicted to be tolerated by in silico analysis. Based on the available evidence, the clinical significance of this variant remains unclear.

Sema4
Classification: Uncertain significance for Hereditary cancer-predisposing syndrome. Last evaluated: 2022-03-10. Review status: criteria provided, single submitter. Criteria: Sema4 Curation Guidelines. Collection method: curation. Allele origin: germline.
Comment: The STK11 c.123G>T (p.K41N) variant has not been reported in the literature to our knowledge. This variant is not reported in the population database Genome Aggregation Database (PMID: 32461654). The variant has been reported in ClinVar (Variation ID: 649901). Functional studies have not been performed, and in silico predictions of the variant's effect on protein function are inconclusive. The evidence is insufficient to meet ACMG/AMP criteria for classifying the variant as benign or pathogenic. Thus, the clinical significance of this variant is currently uncertain.